The following is an entry in ClinVar:

NM_005222.4(DLX6):c.857C>T (p.Thr286Met)

Genes: DLX6 (distal-less homeobox 6; plus strand), DLX6-AS1 (DLX6 antisense RNA 1; minus strand). Cytogenetic location: 7q21.3.
Variant type: single nucleotide variant.
Coding change: c.857C>T on transcript NM_005222.4 (MANE Select); coding-DNA position 857, C replaced by T.
Protein change: p.Thr286Met; replaces threonine 286 with methionine.
Molecular consequence: missense variant.
Genome position (GRCh38, 1-based): chr7:97,010,022, C>T. VCF-style: chr7-97010022-C-T. GRCh37 (hg19) VCF-style: chr7-96639334-C-T.
Other names: short protein forms T286M.
Identifiers: ClinVar variation 4693791 (VCV004693791.1).

ClinVar aggregate classification (germline): Uncertain significance (1 of 4 stars; one submission).

gnomAD v4.1: 21 of 1,599,942 alleles (0.0013%); highest among the groups gnomAD compares: Admixed American, 0.0035%; 1 homozygote.

Submission:

Labcorp Genetics (formerly Invitae), Labcorp
Classification: Uncertain significance. Last evaluated: 2025-04-11. Review status: criteria provided, single submitter. Criteria: Invitae Variant Classification Sherloc (09022015). Collection method: clinical testing. Allele origin: germline.
Comment: This sequence change replaces threonine, which is neutral and polar, with methionine, which is neutral and non-polar, at codon 286 of the DLX6 protein (p.Thr286Met). The frequency data for this variant in the population databases is considered unreliable, as metrics indicate poor data quality at this position in the gnomAD database. This variant has not been reported in the literature in individuals affected with DLX6-related conditions. An algorithm developed to predict the effect of missense changes on protein structure and function (PolyPhen-2) suggests that this variant is likely to be disruptive. In summary, the available evidence is currently insufficient to determine the role of this variant in disease. Therefore, it has been classified as a Variant of Uncertain Significance.